The following is an entry in ClinVar:

NM_078480.3(PUF60):c.910A>G (p.Thr304Ala)

Gene: PUF60 (poly(U) binding splicing factor 60; minus strand). Cytogenetic location: 8q24.3.
Variant type: single nucleotide variant.
Coding change: c.910A>G on transcript NM_078480.3 (MANE Select); coding-DNA position 910, A replaced by G.
Protein change: p.Thr304Ala; replaces threonine 304 with alanine.
Molecular consequence: missense variant.
Genome position (GRCh38, 1-based): chr8:143,817,690, T>C on the plus strand (A>G on the coding strand, the complement: PUF60 is on the minus strand). VCF-style: chr8-143817690-T-C. GRCh37 (hg19) VCF-style: chr8-144899860-T-C.
Other names: c.781A>G, p.Thr261Ala (NM_001136033.3); c.856A>G, p.Thr286Ala (NM_001271096.2); c.772A>G, p.Thr258Ala (NM_001271097.2); c.907A>G, p.Thr303Ala (NM_001271098.2); c.823A>G, p.Thr275Ala (NM_001271099.2); c.730A>G, p.Thr244Ala (NM_001271100.2); c.1021A>G, p.Thr341Ala (NM_001362895.2, NM_001362896.2); c.970A>G, p.Thr324Ala (NM_001362897.2); and 1 more; short protein forms T244A, T258A, T261A, T275A, T286A, T287A, T303A, T304A.
Identifiers: ClinVar variation 4278870 (VCV004278870.1).

ClinVar aggregate classification (germline): Uncertain significance (1 of 4 stars; one submission).

Submission:

GeneDx
Classification: Uncertain significance. Last evaluated: 2025-03-31. Review status: criteria provided, single submitter. Criteria: GeneDx Variant Classification Process June 2021. Collection method: clinical testing. Allele origin: germline. Affected: yes.
Comment: Not observed at significant frequency in large population cohorts (gnomAD); In silico analysis supports that this missense variant has a deleterious effect on protein structure/function; Has not been previously published as pathogenic or benign to our knowledge